The following is an entry in ClinVar:

ClinVar aggregate classification (germline): Likely benign (1 of 4 stars; one submission).

Allele frequency attached by ClinVar (database versions not stated): ExAC 0.00006; gnomAD exomes 0.00007 and 0.00010; TOPMed 0.00010; ESP Exome Variant Server 0.00015; 1000 Genomes Project 30x 0.00016; gnomAD 0.00018 and 0.00019; 1000 Genomes Project 0.00020.
gnomAD v4.1: 131 of 1,614,154 alleles (0.0081%); highest among the groups gnomAD compares: Admixed American, 0.055%; no homozygotes.

Submission:

CeGaT Center for Human Genetics Tuebingen
Classification: Likely benign. Last evaluated: 2022-07-01. Review status: criteria provided, single submitter. Criteria: CeGaT Center For Human Genetics Tuebingen Variant Classification Criteria Version 2. Collection method: clinical testing. Allele origin: germline. Affected: yes. Observed: 1 variant allele.
Comment: NCAPD2: BP4

NM_014865.4(NCAPD2):c.839+7C>T

Gene: NCAPD2 (non-SMC condensin I complex subunit D2; plus strand). Cytogenetic location: 12p13.31.
Variant type: single nucleotide variant.
Coding change: c.839+7C>T on transcript NM_014865.4 (MANE Select); 7 bases into the intron after coding-DNA position 839, C replaced by T.
Molecular consequence: intron variant.
Genome position (GRCh38, 1-based): chr12:6,514,594, C>T. VCF-style: chr12-6514594-C-T. GRCh37 (hg19) VCF-style: chr12-6623760-C-T.
Identifiers: ClinVar variation 1701182 (VCV001701182.31), dbSNP rs187721028, ClinGen allele CA6408235.
Genomic context (GRCh38, chr12:6,514,594, plus strand): 5'-GAGTCTATGGGCAACTGACTATGGAATGAAGAGCATAGTGGGAGAGATTGTAAGGTGACT[C>T]TTCCTTCTCGAAGTTTCTCATGCTTATTTTCCTTGGGGAGGGAATAAAGAAAGATTGGAA-3'